The following is an entry in ClinVar:

ClinVar aggregate classification (germline): Likely benign. Review status: reviewed by expert panel (3 of 4 stars). 2 submissions from 2 submitters: Likely benign (1). 1 of the submissions does not count toward it. Last evaluated 2024-11-04.

Conditions:
Hereditary thrombocytopenia and hematologic cancer predisposition syndrome. Identifiers: Orphanet 71290, MedGen CN281654, MONDO:0011071.
Hereditary thrombocytopenia and hematological cancer predisposition syndrome associated with RUNX1. Also called: RUNX1 Familial Platelet Disorder with Associated Myeloid Malignancies; Familial Platelet Disorder with Propensity to Acute Myelogenous Leukemia; Familial thrombocytopenia with propensity to acute myelogenous leukemia; PLATELET DISORDER, ASPIRIN-LIKE. Identifiers: Orphanet 71290, MedGen C1832388, MeSH C563324, MONDO:0100083, OMIM 601399.

Allele frequency attached by ClinVar (database versions not stated): gnomAD exomes below 0.00001; TOPMed below 0.00001; gnomAD 0.00001.
gnomAD v4.1: 8 of 1,607,908 alleles (0.0005%); highest among the groups gnomAD compares: Non-Finnish European, 0.00051%; no homozygotes.

Submissions (2):

ClinGen Myeloid Malignancy Variant Curation Expert Panel
Classification: Likely benign for Hereditary thrombocytopenia and hematologic cancer predisposition syndrome. Last evaluated: 2024-11-04. Review status: reviewed by expert panel. Criteria: ClinGen MyeloMalig ACMG Specifications v2. Collection method: curation. Allele origin: germline. Inheritance: Autosomal dominant inheritance.
Comment: NM_001754.5(RUNX1):c.58+15G>A is an intronic variant which has not been featured in functional or case studies. Computational data have been used to evaluate this variant. It has a SpliceAI score of 0.03 and a PhyloP score of -0.30, allowing for the application of both BP4 and BP7. In summary, this variant meets criteria to be classified as likely benign. ACMG/AMP criteria applied, as specified by the Myeloid Malignancy Variant Curation Expert Panel for RUNX1: BP4, BP7.

Labcorp Genetics (formerly Invitae), Labcorp
Classification: Likely benign for Hereditary thrombocytopenia and hematological cancer predisposition syndrome associated with RUNX1. Last evaluated: 2025-05-05. Review status: criteria provided, single submitter. Criteria: Invitae Variant Classification Sherloc (09022015). Collection method: clinical testing. Allele origin: germline. Not counted in ClinVar's aggregate classification.

NM_001754.5(RUNX1):c.58+15G>A

Gene: RUNX1 (RUNX family transcription factor 1; minus strand). Cytogenetic location: 21q22.12.
Variant type: single nucleotide variant.
Coding change: c.58+15G>A on transcript NM_001754.5 (MANE Select); 15 bases into the intron after coding-DNA position 58, G replaced by A.
Molecular consequence: intron variant.
Genome position (GRCh38, 1-based): chr21:35,048,827, C>T on the plus strand (G>A on the coding strand, the complement: RUNX1 is on the minus strand). VCF-style: chr21-35048827-C-T. GRCh37 (hg19) VCF-style: chr21-36421124-C-T.
Identifiers: ClinVar variation 1591056 (VCV001591056.9), dbSNP rs1277109253, ClinGen allele CA637749748.
Genomic context (GRCh38, chr21:35,048,827, plus strand): 5'-AGGTGAAACAAGCTGCCATTTCATTACAGGCAAAGCTGAGCAAAAGTAGATATTACAAGA[C>T]CAGCATGTACTCACCTCTCATGAAGCACTGTGGGTACGAAGGAAATGACTCAAATATGCT-3'